The following is an entry in ClinVar:

NM_001267550.2(TTN):c.93168del (p.Glu31057fs)

Genes: TTN (titin; minus strand), TTN-AS1 (TTN antisense RNA 1; plus strand). Cytogenetic location: 2q31.2.
Variant type: Deletion.
Coding change: c.93168del on transcript NM_001267550.2 (MANE Select); coding-DNA position 93168, one base deleted (A; older notation c.93168delA).
Protein change: p.Glu31057fs; shifts the reading frame from glutamic acid 31057.
Molecular consequence: frameshift variant.
Genome position (GRCh38, 1-based): chr2:178,548,458, T deleted on the plus strand (A on the coding strand, the reverse complement: TTN is on the minus strand). VCF-style (leftmost placement, unchanged base first): chr2-178548457-CT-C. GRCh37 (hg19) VCF-style: chr2-179413184-CT-C.
Other names: c.88245del, p.Glu29416fs (NM_001256850.1); c.65973del, p.Glu21992fs (NM_003319.4); c.85464del, p.Glu28489fs (NM_133378.4); c.66348del, p.Glu22117fs (NM_133432.3); c.66549del, p.Glu22184fs (NM_133437.4); short protein forms E21992fs, E22117fs, E22184fs, E28489fs, E29416fs, E31057fs.
Identifiers: ClinVar variation 3752157 (VCV003752157.2).

ClinVar aggregate classification (germline): Likely pathogenic (1 of 4 stars; one submission).

Conditions:
Autosomal recessive limb-girdle muscular dystrophy type 2J (LGMDR10). Also called: Limb-girdle muscular dystrophy, type 2J; MUSCULAR DYSTROPHY, LIMB-GIRDLE, AUTOSOMAL RECESSIVE 10. Identifiers: Orphanet 140922, MedGen C1837342, MONDO:0012127, OMIM 608807.
Dilated cardiomyopathy 1G (CMD1G). Identifiers: Orphanet 154, MedGen C1858763, MONDO:0011400, OMIM 604145.

Submission:

Labcorp Genetics (formerly Invitae), Labcorp
Classification: Likely pathogenic for Dilated cardiomyopathy 1G; Autosomal recessive limb-girdle muscular dystrophy type 2J. Last evaluated: 2025-12-17. Review status: criteria provided, single submitter. Criteria: Invitae Variant Classification Sherloc (09022015). Collection method: clinical testing. Allele origin: germline.
Comment: This sequence change creates a premature translational stop signal (p.Glu31057Argfs*37) in the TTN gene. While this is not anticipated to result in nonsense mediated decay, it is expected to create a truncated TTN protein. This variant is not present in population databases (gnomAD no frequency). This variant has not been reported in the literature in individuals affected with TTN-related conditions. ClinVar contains an entry for this variant (Variation ID: 3752157). This variant is located in the A band of TTN (PMID: 25589632). Truncating variants in this region are significantly overrepresented in patients affected with dilated cardiomyopathy (PMID: 25589632). Truncating variants in this region have also been reported in individuals affected with autosomal recessive centronuclear myopathy (PMID: 23975875). In summary, the currently available evidence indicates that the variant is pathogenic, but additional data are needed to prove that conclusively. Therefore, this variant has been classified as Likely Pathogenic.

Literature cited by the submitters: PubMed 25589632; PubMed 23975875.